The following is an entry in ClinVar:

ClinVar aggregate classification (germline): Uncertain significance (1 of 4 stars; one submission).

Conditions:
Catecholaminergic polymorphic ventricular tachycardia 1. Also called: VENTRICULAR TACHYCARDIA, CATECHOLAMINERGIC POLYMORPHIC, 1, WITH OR WITHOUT ATRIAL DYSFUNCTION AND/OR DILATED CARDIOMYOPATHY; RYR2-Related Catecholaminergic Polymorphic Ventricular Tachycardia; VENTRICULAR TACHYCARDIA, STRESS-INDUCED POLYMORPHIC 1. Identifiers: Orphanet 3286, MedGen C1631597, MONDO:0011484, OMIM 604772.

Submission:

Labcorp Genetics (formerly Invitae), Labcorp
Classification: Uncertain significance for Catecholaminergic polymorphic ventricular tachycardia 1. Last evaluated: 2025-12-21. Review status: criteria provided, single submitter. Criteria: Invitae Variant Classification Sherloc (09022015). Collection method: clinical testing. Allele origin: germline.
Comment: This sequence change replaces leucine, which is neutral and non-polar, with phenylalanine, which is neutral and non-polar, at codon 114 of the RYR2 protein (p.Leu114Phe). This variant is not present in population databases (gnomAD no frequency). This variant has not been reported in the literature in individuals affected with RYR2-related conditions. ClinVar contains an entry for this variant (Variation ID: 3633778). Invitae Evidence Modeling of protein sequence and biophysical properties (such as structural, functional, and spatial information, amino acid conservation, physicochemical variation, residue mobility, and thermodynamic stability) indicates that this missense variant is expected to disrupt RYR2 protein function with a positive predictive value of 95%. In summary, the available evidence is currently insufficient to determine the role of this variant in disease. Therefore, it has been classified as a Variant of Uncertain Significance.

NM_001035.3(RYR2):c.340C>T (p.Leu114Phe)

Gene: RYR2 (ryanodine receptor 2; plus strand). Cytogenetic location: 1q43.
Variant type: single nucleotide variant.
Coding change: c.340C>T on transcript NM_001035.3 (MANE Select); coding-DNA position 340, C replaced by T.
Protein change: p.Leu114Phe; replaces leucine 114 with phenylalanine.
Molecular consequence: missense variant.
Genome position (GRCh38, 1-based): chr1:237,369,564, C>T. VCF-style: chr1-237369564-C-T. GRCh37 (hg19) VCF-style: chr1-237532864-C-T.
Other names: short protein forms L114F.
Identifiers: ClinVar variation 3633778 (VCV003633778.2).
Genomic context (GRCh38, chr1:237,369,564, plus strand): 5'-TTGTTCTCCTTTTTTCTCTTCTCTCTAAAGACTGCTCAAGGTGGTGGTCATCGAACACTC[C>T]TCTACGGACATGCCATATTGCTGCGCCATTCCTATAGTGGCATGGTGAGTAGGCATTTGA-3'
Protein context (NP_001026.2, residues 104-124): TAQGGGHRTL[Leu114Phe]YGHAILLRHS